The following is an entry in ClinVar:

NM_000529.2(MC2R):c.*1061C>A

Gene: MC2R (melanocortin 2 receptor; minus strand). Cytogenetic location: 18p11.21.
Variant type: single nucleotide variant.
Coding change: c.*1061C>A on transcript NM_000529.2 (MANE Select); 1061 bases downstream of the stop codon, C replaced by A.
Molecular consequence: 3 prime UTR variant.
Genome position (GRCh38, 1-based): chr18:13,883,564, G>T on the plus strand (C>A on the coding strand, the complement: MC2R is on the minus strand). VCF-style: chr18-13883564-G-T. GRCh37 (hg19) VCF-style: chr18-13883563-G-T.
Other names: c.*1061C>A (NM_001291911.1).
Identifiers: ClinVar variation 326147 (VCV000326147.5), dbSNP rs117631803, ClinGen allele CA10647207.

ClinVar aggregate classification (germline): Benign (1 of 4 stars; one submission).

Conditions:
Glucocorticoid deficiency 1 (GCCD1). Also called: FAMILIAL GLUCOCORTICOID DEFICIENCY 1; Adrenal unresponsiveness to acth; Glucocorticoid deficiency, due to ACTH unresponsiveness. Identifiers: Orphanet 361, MedGen C4049650, MONDO:0024536, OMIM 202200.

Allele frequency attached by ClinVar (database versions not stated): TOPMed 0.00164; 1000 Genomes Project 0.00759; 1000 Genomes Project 30x 0.00906.

Submission:

Illumina Laboratory Services, Illumina
Classification: Benign for Glucocorticoid deficiency 1. Last evaluated: 2018-01-13. Review status: criteria provided, single submitter. Criteria: ICSL Variant Classification Criteria 13 December 2019. Collection method: clinical testing. Allele origin: germline.
Comment: This variant was observed in the ICSL laboratory as part of a predisposition screen in an ostensibly healthy population. It had not been previously curated by ICSL or reported in the Human Gene Mutation Database (HGMD: prior to June 1st, 2018), and was therefore a candidate for classification through an automated scoring system. Utilizing variant allele frequency, disease prevalence and penetrance estimates, and inheritance mode, an automated score was calculated to assess if this variant is too frequent to cause the disease. Based on the score and internal cut-off values, a variant classified as benign is not then subjected to further curation. The score for this variant resulted in a classification of benign for this disease.